The following is an entry in ClinVar:

NM_001370298.3(FGD4):c.2597A>G (p.Gln866Arg)

Gene: FGD4 (FYVE, RhoGEF and PH domain containing 4; plus strand). Cytogenetic location: 12p11.21.
Variant type: single nucleotide variant.
Coding change: c.2597A>G on transcript NM_001370298.3 (MANE Select); coding-DNA position 2597, A replaced by G.
Protein change: p.Gln866Arg; replaces glutamine 866 with arginine.
Molecular consequence: missense variant.
Genome position (GRCh38, 1-based): chr12:32,640,418, A>G. VCF-style: chr12-32640418-A-G. GRCh37 (hg19) VCF-style: chr12-32793352-A-G.
Other names: c.2441A>G, p.Gln814Arg (NM_001304481.2); c.1154A>G, p.Gln385Arg (NM_001304484.2); c.1907A>G, p.Gln636Arg (NM_001330373.2, NM_001330374.2, NM_001384130.1); c.1634A>G, p.Gln545Arg (NM_001370297.1); c.2597A>G, p.Gln866Arg (NM_001384126.1); c.2186A>G, p.Gln729Arg (NM_001384127.1, NM_001384128.1, NM_001385118.1 and 1 more transcripts); short protein forms Q636R, Q385R, Q545R, Q729R, Q814R, Q866R.
Identifiers: ClinVar variation 639317 (VCV000639317.8), dbSNP rs777302433, ClinGen allele CA6507127.

ClinVar aggregate classification (germline): Uncertain significance (1 of 4 stars; one submission).

Conditions:
Charcot-Marie-Tooth disease type 4. Also called: Charcot-Marie-Tooth disease, type IV; Charcot-Marie-Tooth, Type 4. Identifiers: Orphanet 64749, MedGen C4082197, MONDO:0018995.

Allele frequency attached by ClinVar (database versions not stated): gnomAD exomes 0.00001; ExAC 0.00002; TOPMed 0.00002.
gnomAD v4.1: 8 of 1,614,198 alleles (0.0005%); highest among the groups gnomAD compares: Admixed American, 0.0067%; no homozygotes.

Submission:

Labcorp Genetics (formerly Invitae), Labcorp
Classification: Uncertain significance for Charcot-Marie-Tooth disease type 4. Last evaluated: 2023-06-16. Review status: criteria provided, single submitter. Criteria: Invitae Variant Classification Sherloc (09022015). Collection method: clinical testing. Allele origin: germline.
Comment: In summary, the available evidence is currently insufficient to determine the role of this variant in disease. Therefore, it has been classified as a Variant of Uncertain Significance. An algorithm developed to predict the effect of missense changes on protein structure and function (PolyPhen-2) suggests that this variant is likely to be tolerated. ClinVar contains an entry for this variant (Variation ID: 639317). This variant has not been reported in the literature in individuals affected with FGD4-related conditions. This variant is present in population databases (rs777302433, gnomAD 0.003%). This sequence change replaces glutamine, which is neutral and polar, with arginine, which is basic and polar, at codon 729 of the FGD4 protein (p.Gln729Arg).